The following is an entry in ClinVar:

ClinVar aggregate classification (germline): Uncertain significance (1 of 4 stars; one submission).

Submission:

Labcorp Genetics (formerly Invitae), Labcorp
Classification: Uncertain significance. Last evaluated: 2021-10-31. Review status: criteria provided, single submitter. Criteria: Invitae Variant Classification Sherloc (09022015). Collection method: clinical testing. Allele origin: germline.
Comment: This sequence change replaces alanine, which is neutral and non-polar, with valine, which is neutral and non-polar, at codon 174 of the C1QB protein (p.Ala174Val). This variant is not present in population databases (gnomAD no frequency). This variant has not been reported in the literature in individuals affected with C1QB-related conditions. Algorithms developed to predict the effect of missense changes on protein structure and function (SIFT, PolyPhen-2, Align-GVGD) all suggest that this variant is likely to be tolerated. In summary, the available evidence is currently insufficient to determine the role of this variant in disease. Therefore, it has been classified as a Variant of Uncertain Significance. Algorithms developed to predict the effect of sequence changes on RNA splicing suggest that this variant may create or strengthen a splice site.

NM_001378156.1(C1QB):c.515C>T (p.Ala172Val)

Gene: C1QB (complement C1q B chain; plus strand). Cytogenetic location: 1p36.12.
Variant type: single nucleotide variant.
Coding change: c.515C>T on transcript NM_001378156.1 (MANE Select); coding-DNA position 515, C replaced by T.
Protein change: p.Ala172Val; replaces alanine 172 with valine.
Molecular consequence: missense variant.
Genome position (GRCh38, 1-based): chr1:22,661,145, C>T. VCF-style: chr1-22661145-C-T. GRCh37 (hg19) VCF-style: chr1-22987638-C-T.
Other names: c.521C>T, p.Ala174Val (NM_000491.5); c.515C>T, p.Ala172Val (NM_001371184.3); short protein forms A172V, A174V.
Identifiers: ClinVar variation 1423812 (VCV001423812.6), dbSNP rs2148306331, ClinGen allele CA338948846.